The following is an entry in ClinVar:

ClinVar aggregate classification (germline): Uncertain significance (1 of 4 stars; one submission).

gnomAD v4.1: 7 of 1,013,692 alleles (0.00069%); highest among the groups gnomAD compares: Non-Finnish European, 0.00071%; no homozygotes.

Submission:

Labcorp Genetics (formerly Invitae), Labcorp
Classification: Uncertain significance. Last evaluated: 2024-04-25. Review status: criteria provided, single submitter. Criteria: Invitae Variant Classification Sherloc (09022015). Collection method: clinical testing. Allele origin: germline.
Comment: This sequence change replaces glycine, which is neutral and non-polar, with alanine, which is neutral and non-polar, at codon 35 of the NR2F1 protein (p.Gly35Ala). The frequency data for this variant in the population databases is considered unreliable, as metrics indicate insufficient coverage at this position in the gnomAD database. This variant has not been reported in the literature in individuals affected with NR2F1-related conditions. An algorithm developed to predict the effect of missense changes on protein structure and function (PolyPhen-2) suggests that this variant is likely to be tolerated. In summary, the available evidence is currently insufficient to determine the role of this variant in disease. Therefore, it has been classified as a Variant of Uncertain Significance.

NM_005654.6(NR2F1):c.104G>C (p.Gly35Ala)

Genes: NR2F1 (nuclear receptor subfamily 2 group F member 1; plus strand), NR2F1-AS1 (NR2F1 regulatory antisense RNA 1; minus strand). Cytogenetic location: 5q15.
Variant type: single nucleotide variant.
Coding change: c.104G>C on transcript NM_005654.6 (MANE Select); coding-DNA position 104, G replaced by C.
Protein change: p.Gly35Ala; replaces glycine 35 with alanine.
Molecular consequence: missense variant.
Genome position (GRCh38, 1-based): chr5:93,585,127, G>C. VCF-style: chr5-93585127-G-C. GRCh37 (hg19) VCF-style: chr5-92920833-G-C.
Other names: short protein forms G35A.
Identifiers: ClinVar variation 3685189 (VCV003685189.2).